The following is an entry in ClinVar:

ClinVar aggregate classification (germline): Uncertain significance (1 of 4 stars; one submission).

Conditions:
Neurofibromatosis, type 2 (SWNV). Also called: BILATERAL ACOUSTIC NEUROFIBROMATOSIS; SCHWANNOMATOSIS, VESTIBULAR; NF2-Related Schwannomatosis. Identifiers: Orphanet 637, MedGen C0027832, MONDO:0007039, OMIM 101000. Disease mechanism: loss of function.

Submission:

Labcorp Genetics (formerly Invitae), Labcorp
Classification: Uncertain significance for Neurofibromatosis, type 2. Last evaluated: 2018-03-31. Review status: criteria provided, single submitter. Criteria: Invitae Variant Classification Sherloc (09022015). Collection method: clinical testing. Allele origin: germline.
Comment: This sequence change replaces arginine with tryptophan at codon 554 of the NF2 protein (p.Arg554Trp). The arginine residue is moderately conserved and there is a moderate physicochemical difference between arginine and tryptophan. This variant is not present in population databases (ExAC no frequency). This variant has not been reported in the literature in individuals with NF2-related disease. Algorithms developed to predict the effect of missense changes on protein structure and function do not agree on the potential impact of this missense change (SIFT: "Deleterious"; PolyPhen-2: "Probably Damaging"; Align-GVGD: "Class C0"). In summary, the available evidence is currently insufficient to determine the role of this variant in disease. Therefore, it has been classified as a Variant of Uncertain Significance.

NM_000268.4(NF2):c.1660A>T (p.Arg554Trp)

Gene: NF2 (NF2, moesin-ezrin-radixin like (MERLIN) tumor suppressor; plus strand). Cytogenetic location: 22q12.2.
Variant type: single nucleotide variant.
Coding change: c.1660A>T on transcript NM_000268.4 (MANE Select); coding-DNA position 1660, A replaced by T.
Protein change: p.Arg554Trp; replaces arginine 554 with tryptophan.
Molecular consequence: missense variant. On other transcripts: non-coding transcript variant (1), intron variant (1).
Genome position (GRCh38, 1-based): chr22:29,681,524, A>T. VCF-style: chr22-29681524-A-T. GRCh37 (hg19) VCF-style: chr22-30077513-A-T.
Other names: c.1660A>T, p.Arg554Trp (NM_016418.5, NM_181825.3, NM_181832.3); c.1534A>T, p.Arg512Trp (NM_181828.3); c.1537A>T, p.Arg513Trp (NM_181829.3); c.1411A>T, p.Arg471Trp (NM_181830.3, NM_181831.3); c.448-13228A>T (NM_181833.3); short protein forms R471W, R512W, R513W, R554W.
Identifiers: ClinVar variation 1024094 (VCV001024094.9), dbSNP rs1601666203, ClinGen allele CA411150234.